The following is an entry in ClinVar:

NM_021628.3(ALOXE3):c.1626G>A (p.Glu542=)

Gene: ALOXE3 (arachidonate epidermal lipoxygenase 3; minus strand). Cytogenetic location: 17p13.1.
Variant type: single nucleotide variant.
Coding change: c.1626G>A on transcript NM_021628.3 (MANE Select); coding-DNA position 1626, G replaced by A.
Protein change: p.Glu542=; no amino-acid change (glutamic acid 542 retained).
Molecular consequence: synonymous variant.
Genome position (GRCh38, 1-based): chr17:8,108,526, C>T on the plus strand (G>A on the coding strand, the complement: ALOXE3 is on the minus strand). VCF-style: chr17-8108526-C-T. GRCh37 (hg19) VCF-style: chr17-8011844-C-T.
Other names: c.2022G>A, p.Glu674= (NM_001165960.1); c.1623G>A, p.Glu541= (NM_001369446.1).
Identifiers: ClinVar variation 325965 (VCV000325965.15), dbSNP rs139454209, ClinGen allele CA8368016.
Genomic context (GRCh38, chr17:8,108,526, plus strand): 5'-ACCTGAGCTTTCCCGGCCCAGGAACGCCTGAGCAAAAATCTCGCCAGTCCAGGCCTGCAG[C>T]TCCGAATCCTGCTGCACAGATGCGTCACTGGGATAATAGTAGCCCACGATTTCTGAGACA-3'
Protein context (NP_067641.2, residues 532-552): PSDASVQQDS[Glu542=]LQAWTGEIFA

ClinVar aggregate classification (germline): Conflicting classifications of pathogenicity. Review status: criteria provided, conflicting classifications (1 of 4 stars). 3 submissions from 3 submitters: Uncertain significance (1); Likely benign (2). Last evaluated 2026-07-01.

Conditions:
Autosomal recessive congenital ichthyosis 3 (ARCI3). Also called: ICHTHYOSIS, LAMELLAR, 5. Identifiers: MedGen C3539888, MONDO:0011680, OMIM 606545.

Allele frequency attached by ClinVar (database versions not stated): 1000 Genomes Project 30x 0.00016; 1000 Genomes Project 0.00020; gnomAD 0.00102; ESP Exome Variant Server 0.00108; TOPMed 0.00141; ExAC 0.00147; gnomAD exomes 0.00162.
gnomAD v4.1: 3,173 of 1,613,620 alleles (0.2%); highest among the groups gnomAD compares: Middle Eastern, 0.28%; 5 homozygotes.

Submissions (3):

CeGaT Center for Human Genetics Tuebingen
Classification: Likely benign. Last evaluated: 2026-07-01. Review status: criteria provided, single submitter. Criteria: CeGaT Center For Human Genetics Tuebingen Variant Classification Criteria Version 2. Collection method: clinical testing. Allele origin: germline. Affected: yes. Observed: 1 variant allele.
Comment: ALOXE3: BP4, BP7

Labcorp Genetics (formerly Invitae), Labcorp
Classification: Likely benign. Last evaluated: 2026-01-24. Review status: criteria provided, single submitter. Criteria: Invitae Variant Classification Sherloc (09022015). Collection method: clinical testing. Allele origin: germline.

Illumina Laboratory Services, Illumina
Classification: Uncertain significance for Autosomal recessive congenital ichthyosis 3. Last evaluated: 2018-01-13. Review status: criteria provided, single submitter. Criteria: ICSL Variant Classification Criteria 13 December 2019. Collection method: clinical testing. Allele origin: germline.